The following is an entry in ClinVar:

ClinVar aggregate classification (germline): Uncertain significance. Review status: criteria provided, multiple submitters, no conflicts (2 of 4 stars). 2 submissions from 2 submitters: Uncertain significance (2). Last evaluated 2022-09-27.

Conditions:
Joubert syndrome. Also called: CEREBELLOPARENCHYMAL DISORDER IV; JOUBERT-BOLTSHAUSER SYNDROME; Familial aplasia of the vermis. Identifiers: Orphanet 475, MedGen C5979921, MONDO:0018772.
Nephronophthisis. Also called: Juvenile Nephronophthisis. Identifiers: Orphanet 655, MedGen C0687120, MONDO:0019005, HP:0000090.
Meckel-Gruber syndrome. Also called: DYSENCEPHALIA SPLANCHNOCYSTICA; GRUBER SYNDROME; Dysencephalia splachnocystica. Identifiers: Orphanet 564, MedGen C0265215, MONDO:0018921.
Inborn genetic diseases. Identifiers: MedGen C0950123, MeSH D030342.

Submissions (2):

Labcorp Genetics (formerly Invitae), Labcorp
Classification: Uncertain significance for Joubert syndrome; Meckel-Gruber syndrome; Nephronophthisis. Last evaluated: 2022-09-27. Review status: criteria provided, single submitter. Criteria: Invitae Variant Classification Sherloc (09022015). Collection method: clinical testing. Allele origin: germline.
Comment: In summary, the available evidence is currently insufficient to determine the role of this variant in disease. Therefore, it has been classified as a Variant of Uncertain Significance. Advanced modeling of protein sequence and biophysical properties (such as structural, functional, and spatial information, amino acid conservation, physicochemical variation, residue mobility, and thermodynamic stability) performed at Invitae indicates that this missense variant is not expected to disrupt CEP290 protein function. ClinVar contains an entry for this variant (Variation ID: 1393221). This variant has not been reported in the literature in individuals affected with CEP290-related conditions. This variant is not present in population databases (gnomAD no frequency). This sequence change replaces alanine, which is neutral and non-polar, with threonine, which is neutral and polar, at codon 502 of the CEP290 protein (p.Ala502Thr).

Ambry Genetics
Classification: Uncertain significance for Inborn genetic diseases. Last evaluated: 2021-12-28. Review status: criteria provided, single submitter. Criteria: Ambry Variant Classification Scheme 2023. Collection method: clinical testing. Allele origin: germline.

NM_025114.4(CEP290):c.1504G>A (p.Ala502Thr)

Gene: CEP290 (centrosomal protein 290; minus strand). Cytogenetic location: 12q21.32.
Variant type: single nucleotide variant.
Coding change: c.1504G>A on transcript NM_025114.4 (MANE Select); coding-DNA position 1504, G replaced by A.
Protein change: p.Ala502Thr; replaces alanine 502 with threonine.
Molecular consequence: missense variant.
Genome position (GRCh38, 1-based): chr12:88,120,132, C>T on the plus strand (G>A on the coding strand, the complement: CEP290 is on the minus strand). VCF-style: chr12-88120132-C-T. GRCh37 (hg19) VCF-style: chr12-88513909-C-T.
Other names: c.1504G>A (NM_025114.3); short protein forms A502T.
Identifiers: ClinVar variation 1393221 (VCV001393221.8), dbSNP rs1035966537, ClinGen allele CA241151896.